The following is an entry in ClinVar:

ClinVar aggregate classification (germline): Uncertain significance (1 of 4 stars; one submission).

Conditions:
Primary dilated cardiomyopathy (DCM). Also called: Dilated Cardiomyopathy. Identifiers: Orphanet 217604, MedGen C0007193, MeSH D002311, MONDO:0005021, HP:0001644. Inheritance: Various modes of inheritance.

Submission:

Labcorp Genetics (formerly Invitae), Labcorp
Classification: Uncertain significance for Primary dilated cardiomyopathy. Last evaluated: 2024-08-17. Review status: criteria provided, single submitter. Criteria: Invitae Variant Classification Sherloc (09022015). Collection method: clinical testing. Allele origin: germline.
Comment: This sequence change replaces aspartic acid, which is acidic and polar, with glycine, which is neutral and non-polar, at codon 298 of the TXNRD2 protein (p.Asp298Gly). This variant is not present in population databases (gnomAD no frequency). This variant has not been reported in the literature in individuals affected with TXNRD2-related conditions. Invitae Evidence Modeling of protein sequence and biophysical properties (such as structural, functional, and spatial information, amino acid conservation, physicochemical variation, residue mobility, and thermodynamic stability) indicates that this missense variant is not expected to disrupt TXNRD2 protein function with a negative predictive value of 80%. In summary, the available evidence is currently insufficient to determine the role of this variant in disease. Therefore, it has been classified as a Variant of Uncertain Significance.

NM_006440.5(TXNRD2):c.893A>G (p.Asp298Gly)

Gene: TXNRD2 (thioredoxin reductase 2; minus strand). Cytogenetic location: 22q11.21.
Variant type: single nucleotide variant.
Coding change: c.893A>G on transcript NM_006440.5 (MANE Select); coding-DNA position 893, A replaced by G.
Protein change: p.Asp298Gly; replaces aspartic acid 298 with glycine.
Molecular consequence: missense variant. On other transcripts: non-coding transcript variant (1).
Genome position (GRCh38, 1-based): chr22:19,895,463, T>C on the plus strand (A>G on the coding strand, the complement: TXNRD2 is on the minus strand). VCF-style: chr22-19895463-T-C. GRCh37 (hg19) VCF-style: chr22-19882986-T-C.
Other names: c.893A>G, p.Asp298Gly (NM_001282512.3); c.890A>G, p.Asp297Gly (NM_001352300.2); c.803A>G, p.Asp268Gly (NM_001352301.2); c.605A>G, p.Asp202Gly (NM_001352302.2); c.797A>G, p.Asp266Gly (NM_001352303.2); short protein forms D202G, D266G, D268G, D297G, D298G.
Identifiers: ClinVar variation 3629188 (VCV003629188.2).